The following is an entry in ClinVar:

ClinVar aggregate classification (germline): Uncertain significance. Review status: criteria provided, single submitter (1 of 4 stars). 2 submissions from 2 submitters: Uncertain significance (1). 1 of the submissions does not count toward it. Last evaluated 2022-06-20.

Conditions:
Aicardi Goutieres syndrome (AGS). Also called: Encephalopathy, familial infantile, with calcification of basal ganglia and chronic cerebrospinal fluid lymphocytosis. Identifiers: Orphanet 51, MedGen C0393591, MONDO:0018866.
Aicardi-Goutieres syndrome 5. Identifiers: Orphanet 51, MedGen C2749659, MONDO:0013059, OMIM 612952.

Submissions (2):

Labcorp Genetics (formerly Invitae), Labcorp
Classification: Uncertain significance for Aicardi-Goutieres syndrome 5. Last evaluated: 2022-06-20. Review status: criteria provided, single submitter. Criteria: Invitae Variant Classification Sherloc (09022015). Collection method: clinical testing. Allele origin: germline.
Comment: This variant, c.5_7dup, results in the insertion of 1 amino acid(s) of the SAMHD1 protein (p.Gln2dup), but otherwise preserves the integrity of the reading frame. This variant is present in population databases (rs758547160, gnomAD 0.004%). This variant has not been reported in the literature in individuals affected with SAMHD1-related conditions. ClinVar contains an entry for this variant (Variation ID: 935415). Experimental studies and prediction algorithms are not available or were not evaluated, and the functional significance of this variant is currently unknown. In summary, the available evidence is currently insufficient to determine the role of this variant in disease. Therefore, it has been classified as a Variant of Uncertain Significance.

Natera, Inc.
Classification: Uncertain significance for Aicardi-Goutieres syndrome. Last evaluated: 2020-04-24. Review status: no assertion criteria provided. Collection method: clinical testing. Allele origin: germline. Not counted in ClinVar's aggregate classification.

NM_015474.4(SAMHD1):c.5_7dup (p.Gln2dup)

Gene: SAMHD1 (SAM and HD domain containing deoxynucleoside triphosphate triphosphohydrolase 1; minus strand). Cytogenetic location: 20q11.23.
Variant type: Duplication.
Coding change: c.5_7dup on transcript NM_015474.4 (MANE Select); coding-DNA positions 5 to 7, 3 bases duplicated (AGC; older notation c.5_7dupAGC).
Protein change: p.Gln2dup; duplicates glutamine 2.
Molecular consequence: inframe insertion, initiator codon variant.
Genome position (GRCh38, 1-based): chr20:36,951,637-36,951,639, GCT duplicated on the plus strand (AGC on the coding strand, the reverse complement: SAMHD1 is on the minus strand); duplicating any 3 consecutive bases within chr20:36,951,637-36,951,641 gives the same sequence; the c. name uses the placement nearest the transcript's 3' end. VCF-style (leftmost placement, unchanged base first): chr20-36951636-C-CGCT. GRCh37 (hg19) VCF-style: chr20-35580039-C-CGCT.
Other names: c.5_7dup, p.Gln2dup (NM_001363729.2, NM_001363733.2).
Identifiers: ClinVar variation 935415 (VCV000935415.7), dbSNP rs758547160, ClinGen allele CA9844856.